The following is an entry in ClinVar:

NM_018105.3(THAP1):c.161G>C (p.Cys54Ser)

Gene: THAP1 (THAP domain containing 1; minus strand). Cytogenetic location: 8p11.21.
Variant type: single nucleotide variant.
Coding change: c.161G>C on transcript NM_018105.3 (MANE Select); coding-DNA position 161, G replaced by C.
Protein change: p.Cys54Ser; replaces cysteine 54 with serine.
Molecular consequence: missense variant. On other transcripts: intron variant (1).
Genome position (GRCh38, 1-based): chr8:42,839,292, C>G on the plus strand (G>C on the coding strand, the complement: THAP1 is on the minus strand). VCF-style: chr8-42839292-C-G. GRCh37 (hg19) VCF-style: chr8-42694435-C-G.
Other names: c.72-956G>C (NM_199003.2); short protein forms C54S.
Identifiers: ClinVar variation 463442 (VCV000463442.3), dbSNP rs1554599707, ClinGen allele CA371107951.

ClinVar aggregate classification (germline): Uncertain significance (1 of 4 stars; one submission).

Conditions:
Torsion dystonia 6 (DYT6). Also called: DYT-THAP1. Identifiers: Orphanet 98806, MedGen C1414216, MONDO:0011264, OMIM 602629.

Allele frequency attached by ClinVar (database versions not stated): gnomAD exomes below 0.00001.
gnomAD v4.1: 1 of 1,614,078 alleles (0.000062%); highest among the groups gnomAD compares: Non-Finnish European, 0.000085%; no homozygotes.

Submission:

Labcorp Genetics (formerly Invitae), Labcorp
Classification: Uncertain significance for Torsion dystonia 6. Last evaluated: 2016-08-03. Review status: criteria provided, single submitter. Criteria: Invitae Variant Classification Sherloc (09022015). Collection method: clinical testing. Allele origin: germline.
Comment: In summary, this variant is a novel missense change with uncertain impact on protein function. It has been classified as a Variant of Uncertain Significance. Algorithms developed to predict the effect of missense changes on protein structure and function do not agree on the potential impact of this missense change (SIFT: "Deleterious"; PolyPhen-2: "Possibly Damaging"; Align-GVGD: "Class C0"). This variant is not present in population databases (ExAC no frequency) and has not been reported in the literature in individuals with a THAP1-related disease. However, two different substitutions of this amino acid (p.Cys54Phe and p.Cys54Tyr) have been reported in individuals with dystonia (PMIDs: 21800139, 20865765). This sequence change replaces cysteine with serine at codon 54 of the THAP1 protein (p.Cys54Ser). The cysteine residue is highly conserved and there is a moderate physicochemical difference between cysteine and serine.